The following is an entry in ClinVar:

NM_032119.4(ADGRV1):c.6490+9_6491-1810del

Gene: ADGRV1 (adhesion G protein-coupled receptor V1; plus strand). Cytogenetic location: 5q14.3.
Variant type: Deletion.
Coding change: c.6490+9_6491-1810del on transcript NM_032119.4 (MANE Select); 9 bases into the intron after coding-DNA position 6490 through 1810 bases into the intron before coding-DNA position 6491, 2,048 bases deleted.
Molecular consequence: intron variant.
Genome position (GRCh38, 1-based): chr5:90,686,004-90,688,051, 2,048 bases deleted. GRCh37 (hg19): chr5:89,981,821-89,983,868.
Identifiers: ClinVar variation 847528 (VCV000847528.1), ClinGen allele CA916082745.

ClinVar aggregate classification (germline): Uncertain significance (1 of 4 stars; one submission).

Submission:

Labcorp Genetics (formerly Invitae), Labcorp
Classification: Uncertain significance. Last evaluated: 2020-01-14. Review status: criteria provided, single submitter. Criteria: Invitae Variant Classification Sherloc (09022015). Collection method: clinical testing. Allele origin: germline.
Comment: This sequence change falls in intron 29 of the ADGRV1 gene. It does not directly change the encoded amino acid sequence of the ADGRV1 protein. This variant is not present in population databases (ExAC no frequency). This variant has not been reported in the literature in individuals with ADGRV1-related conditions. Experimental studies and prediction algorithms are not available or were not evaluated, and the effect of this variant on mRNA splicing is currently unknown. In summary, the available evidence is currently insufficient to determine the role of this variant in disease. Therefore, it has been classified as a Variant of Uncertain Significance.